The following is an entry in ClinVar:

ClinVar aggregate classification (germline): Pathogenic (0 of 4 stars; one submission).

Conditions:
Fanconi anemia complementation group A (FANCA). Also called: Fanconi anemia, group A; FANCA-Related Fanconi Anemia. Identifiers: Orphanet 84, MedGen C3469521, MONDO:0009215, OMIM 227650.

Submission:

Leiden Open Variation Database
Classification: Pathogenic for Fanconi anemia complementation group A. Last evaluated: 2020-02-28. Review status: no assertion criteria provided. Collection method: curation. Allele origin: germline. Affected: yes.
Comment: Curator: Arleen D. Auerbach. Submitter to LOVD: Arleen D. Auerbach.

NC_000016.10:g.(89815987_89816536)_(89816657_?)del

Gene: FANCA (FA complementation group A; minus strand). Cytogenetic location: 16q24.3.
Variant type: Deletion.
Identifiers: ClinVar variation 974071 (VCV000974071.1).